The following is an entry in ClinVar:

NM_004329.3(BMPR1A):c.3G>T (p.Met1Ile)

Gene: BMPR1A (bone morphogenetic protein receptor type 1A; plus strand). Cytogenetic location: 10q23.2.
Variant type: single nucleotide variant.
Coding change: c.3G>T on transcript NM_004329.3 (MANE Select); coding-DNA position 3, G replaced by T.
Protein change: p.Met1Ile; changes the start codon (methionine 1).
Molecular consequence: missense variant, initiator codon variant.
Genome position (GRCh38, 1-based): chr10:86,876,021, G>T. VCF-style: chr10-86876021-G-T. GRCh37 (hg19) VCF-style: chr10-88635778-G-T.
Other names: short protein forms M1I.
Identifiers: ClinVar variation 843741 (VCV000843741.9), dbSNP rs869312758, ClinGen allele CA377774745.

ClinVar aggregate classification (germline): Pathogenic (1 of 4 stars; one submission).

Conditions:
Juvenile polyposis syndrome (JPS). Identifiers: Orphanet 2929, MedGen C0345893, MONDO:0017380, OMIM 174900.

Submission:

Labcorp Genetics (formerly Invitae), Labcorp
Classification: Pathogenic for Juvenile polyposis syndrome. Last evaluated: 2023-10-03. Review status: criteria provided, single submitter. Criteria: Invitae Variant Classification Sherloc (09022015). Collection method: clinical testing. Allele origin: germline.
Comment: This sequence change affects the initiator methionine of the BMPR1A mRNA. The next in-frame methionine is located at codon 29. This variant is not present in population databases (gnomAD no frequency). Disruption of the initiator codon has been observed in individual(s) with clinical features of juvenile polyposis syndrome (Invitae). In at least one individual the variant was observed to be de novo. ClinVar contains an entry for this variant (Variation ID: 843741). While this variant is expected to result in an absent protein product, possible rescue of translational initiation by the downstream methionine would lead to the disruption of the signal peptide (residues 1-23), which is important for BMPR1A-mediated cellular localization (PMID: 23433720). For these reasons, this variant has been classified as Pathogenic.

Literature cited by the submitters: PubMed 23433720.